The following is an entry in ClinVar:

ClinVar aggregate classification (germline): Conflicting classifications of pathogenicity. Review status: criteria provided, conflicting classifications (1 of 4 stars). 3 submissions from 3 submitters: Pathogenic (1); Uncertain significance (2). Last evaluated 2026-06-11.

Conditions:
Developmental and epileptic encephalopathy, 44 (DEE44). Also called: Epileptic encephalopathy, early infantile, 44. Identifiers: MedGen C4310700, MONDO:0014933, OMIM 617132.

Allele frequency attached by ClinVar (database versions not stated): TOPMed 0.00284; ESP Exome Variant Server 0.00354; ExAC 0.00089; gnomAD 0.00280 and 0.00249; 1000 Genomes Project 0.00160; gnomAD exomes 0.00071; 1000 Genomes Project 30x 0.00172.
gnomAD v4.1: 751 of 1,608,918 alleles (0.047%); highest among the groups gnomAD compares: African/African-American, 0.89%; 2 homozygotes.

Submissions (3):

Women's Health and Genetics/Laboratory Corporation of America, LabCorp
Classification: Uncertain significance. Last evaluated: 2026-06-11. Review status: criteria provided, single submitter. Criteria: LabCorp Variant Classification Summary - May 2015. Collection method: clinical testing. Allele origin: germline.
Comment: Variant summary: UBA5 c.-823C>A is located in the untranscribed region upstream of the UBA5 gene region. The variant allele was found at a frequency of 0.00071 in 247458 control chromosomes. This frequency is not significantly higher than estimated for disease-causing variants in UBA5, allowing no conclusion about variant significance. To our knowledge, no occurrence of c.-823C>A in individuals affected with UBA5-related conditions and no experimental evidence demonstrating its impact on protein function have been reported. ClinVar contains an entry for this variant (Variation ID: 1030879). Based on the evidence outlined above, the variant was classified as uncertain significance.

Department of Pathology and Laboratory Medicine, Sinai Health System
Classification: Uncertain significance for Developmental and epileptic encephalopathy, 44. Last evaluated: 2023-01-26. Review status: criteria provided, single submitter. Criteria: ACMG Guidelines, 2015. Collection method: research. Allele origin: germline.

Baylor Genetics
Classification: Pathogenic for Developmental and epileptic encephalopathy, 44. Last evaluated: 2019-04-18. Review status: criteria provided, single submitter. Criteria: ACMG Guidelines, 2015. Collection method: clinical testing. Allele origin: unknown. Affected: yes.
Comment: This variant was determined to be pathogenic according to ACMG Guidelines, 2015 [PMID:25741868].

NM_024818.6(UBA5):c.-823C>A

Genes: ACAD11 (acyl-CoA dehydrogenase family member 11; minus strand), NPHP3-ACAD11 (NPHP3-ACAD11 readthrough (NMD candidate); minus strand), UBA5 (ubiquitin like modifier activating enzyme 5; plus strand). Cytogenetic location: 3q22.1.
Variant type: single nucleotide variant.
Coding change: c.-823C>A on transcript NM_024818.6 (MANE Select); 823 bases upstream of the start codon, C replaced by A.
Molecular consequence: genic upstream transcript variant. On other transcripts: 5 prime UTR variant (1), nonsense (1), non-coding transcript variant (3), intron variant (1).
Genome position (GRCh38, 1-based): chr3:132,659,715, C>A. VCF-style: chr3-132659715-C-A. GRCh37 (hg19) VCF-style: chr3-132378559-C-A.
Other names: c.-1023C>A (NM_001321239.1); c.37G>T, p.Glu13Ter (NM_032169.5); c.-8+5045C>A (NM_198329.4); short protein forms E13*.
Identifiers: ClinVar variation 1030879 (VCV001030879.6), dbSNP rs151048899, ClinGen allele CA2621225.